The following is an entry in ClinVar:

NM_000077.5(CDKN2A):c.203C>T (p.Ala68Val)

Gene: CDKN2A (cyclin dependent kinase inhibitor 2A; minus strand). Cytogenetic location: 9p21.3.
Variant type: single nucleotide variant.
Coding change: c.203C>T on transcript NM_000077.5; coding-DNA position 203, C replaced by T.
Protein change: p.Ala68Val; replaces alanine 68 with valine.
Molecular consequence: missense variant (on NM_000077.6). On other transcripts: synonymous variant (1), 3 prime UTR variant (1).
Genome position (GRCh38, 1-based): chr9:21,971,156, G>A on the plus strand (C>T on the coding strand, the complement: CDKN2A is on the minus strand). VCF-style: chr9-21971156-G-A. GRCh37 (hg19) VCF-style: chr9-21971155-G-A.
Other names: c.203C>T, p.Ala68Val (NM_000077.6, NM_001195132.2); c.50C>T, p.Ala17Val (NM_001363763.2); c.246C>T, p.Arg82= (NM_058195.4); c.*126C>T (NM_058197.5); short protein forms A68V, A17V.
Identifiers: ClinVar variation 406701 (VCV000406701.25), dbSNP rs1060501260, ClinGen allele CA16612711.

ClinVar aggregate classification (germline): Conflicting classifications of pathogenicity. Review status: criteria provided, conflicting classifications (1 of 4 stars). 7 submissions from 7 submitters: Pathogenic (1); Likely pathogenic (2); Uncertain significance (4). Last evaluated 2025-10-14.

Conditions:
Melanoma and neural system tumor syndrome. Also called: MELANOMA-ASTROCYTOMA SYNDROME. Identifiers: Orphanet 252206, MedGen C1835042, MONDO:0007967, OMIM 155755.
Melanoma-pancreatic cancer syndrome. Identifiers: Orphanet 404560, MedGen C1838547, MONDO:0011713, OMIM 606719. Disease mechanism: loss of function.
Hereditary cancer-predisposing syndrome. Also called: Neoplastic Syndromes, Hereditary; Tumor predisposition; Hereditary Cancer Syndrome; Hereditary neoplastic syndrome. Identifiers: Orphanet 140162, MedGen C0027672, MeSH D009386, MONDO:0015356.
Familial melanoma. Also called: Hereditary melanoma; Hereditary cutaneous melanoma. Identifiers: Orphanet 618, MedGen C1512419, MONDO:0018961.

Allele frequency attached by ClinVar (database versions not stated): TOPMed below 0.00001.
gnomAD v4.1: 1 of 1,593,862 alleles (0.000063%); highest among the groups gnomAD compares: Non-Finnish European, 0.000085%; no homozygotes.

Submissions (7):

Ambry Genetics
Classification: Pathogenic for Hereditary cancer-predisposing syndrome. Last evaluated: 2025-10-14. Review status: criteria provided, single submitter. Criteria: Ambry Variant Classification Scheme 2023. Collection method: clinical testing. Allele origin: germline.
Comment: The p.A68V variant (also known as c.203C>T), located in coding exon 2 of the CDKN2A gene, results from a C to T substitution at nucleotide position 203. The alanine at codon 68 is replaced by valine, an amino acid with similar properties. This alteration has been detected in several melanoma-affected kindreds as well as an individual affected with pancreatic cancer (among other cancers); although it did not completely segregate with disease (FitzGerald MG et al. Proc. Natl. Acad. Sci. U.S.A., 1996 Aug;93:8541-5; Gerdes B et al. Pancreas, 2000 Nov;21:369-75; Miller PJ et al. Hum. Mutat., 2011 Aug;32:900-11; Potjer TP et al. J. Med. Genet., 2018 10;55:661-668; Ambry internal data). A functional study reported this variant as deleterious based on in-vitro assessment of impact on proliferation in human pancreatic cancer cell lines (Kimura H et al. Elife, 2022 Jan;11:). Internal analysis shows that this amino acid position lies within a structural hotspot where many pathogenic mutations are found and it is likely to affect binding to CDK4 (Ambry internal data). Of note, this variant is also known as c.246C>T (p.R82R) in the p14(ARF) isoform. This amino acid position is highly conserved in available vertebrate species. In addition, this alteration is predicted to be deleterious by in silico analysis. This variant is considered to be rare based on population cohorts in the Genome Aggregation Database (gnomAD). Based on the supporting evidence, this variant is interpreted as a disease-causing mutation.

Baylor Genetics
Classification: Uncertain significance for Melanoma and neural system tumor syndrome. Last evaluated: 2024-02-14. Review status: criteria provided, single submitter. Criteria: ACMG Guidelines, 2015. Collection method: clinical testing. Allele origin: unknown.

Labcorp Genetics (formerly Invitae), Labcorp
Classification: Uncertain significance for Familial melanoma. Last evaluated: 2024-01-09. Review status: criteria provided, single submitter. Criteria: Invitae Variant Classification Sherloc (09022015). Collection method: clinical testing. Allele origin: germline.
Comment: This sequence change replaces alanine, which is neutral and non-polar, with valine, which is neutral and non-polar, at codon 68 of the CDKN2A (p16INK4a) protein (p.Ala68Val). This variant is not present in population databases (gnomAD no frequency). This missense change has been observed in individual(s) with melanoma, pancreatic cancer, vocal cord cancer, and basal cell carcinoma (PMID: 8710906, 11075991, 21462282, 32482799). ClinVar contains an entry for this variant (Variation ID: 406701). An algorithm developed to predict the effect of missense changes on protein structure and function (PolyPhen-2) suggests that this variant is likely to be disruptive. Experimental studies have shown that this missense change affects CDKN2A (p16INK4a) function (PMID: 35001868). This variant disrupts the p.Ala68 amino acid residue in CDKN2A (p16INK4a). Other variant(s) that disrupt this residue have been determined to be pathogenic (PMID: 9425228, 11518711, 18983535, 19260062, 20340136, 21462282, 25780468). This suggests that this residue is clinically significant, and that variants that disrupt this residue are likely to be disease-causing. In summary, the available evidence is currently insufficient to determine the role of this variant in disease. Therefore, it has been classified as a Variant of Uncertain Significance.

Myriad Genetics, Inc.
Classification: Likely pathogenic for Melanoma-pancreatic cancer syndrome. Last evaluated: 2023-02-14. Review status: criteria provided, single submitter. Criteria: Myriad Autosomal Dominant, Autosomal Recessive and X-Linked Classification Criteria (2023). Collection method: clinical testing. Allele origin: unknown.
Comment: This variant is considered likely pathogenic. Functional studies indicate this variant impacts protein function [PMID: 35001868]. This variant is expected to disrupt protein structure [Myriad internal data]. This variant has been reported in multiple individuals with clinical features of gene-specific disease [PMID: 32482799, 11075991, 21462282, Myriad internal data].

Blueprint Genetics
Classification: Uncertain significance. Last evaluated: 2022-11-05. Review status: criteria provided, single submitter. Criteria: ACMG Guidelines, 2015. Collection method: clinical testing. Allele origin: germline.

Department of Pathology and Laboratory Medicine, Sinai Health System
Classification: Likely pathogenic for Melanoma-pancreatic cancer syndrome. Last evaluated: 2022-06-13. Review status: criteria provided, single submitter. Criteria: ACMG Guidelines, 2015. Collection method: clinical testing. Allele origin: germline. Affected: yes.

Color Diagnostics, LLC DBA Color Health
Classification: Uncertain significance for Hereditary cancer-predisposing syndrome. Last evaluated: 2019-03-04. Review status: criteria provided, single submitter. Criteria: ACMG Guidelines, 2015. Collection method: clinical testing. Allele origin: germline.

Literature cited by the submitters: PubMed 11075991 (cited by 4 submitters); PubMed 21462282 (cited by 3 submitters); PubMed 29661971 (cited by Ambry Genetics); PubMed 35001868 (cited by 3 submitters); PubMed 8710906 (cited by 3 submitters); PubMed 32482799 (cited by Labcorp Genetics (formerly Invitae), Labcorp and Myriad Genetics, Inc.); PubMed 9425228 (cited by Labcorp Genetics (formerly Invitae), Labcorp); PubMed 11518711 (cited by Labcorp Genetics (formerly Invitae), Labcorp); PubMed 18983535 (cited by Labcorp Genetics (formerly Invitae), Labcorp); PubMed 19260062 (cited by Labcorp Genetics (formerly Invitae), Labcorp); PubMed 20340136 (cited by Labcorp Genetics (formerly Invitae), Labcorp); PubMed 25780468 (cited by Labcorp Genetics (formerly Invitae), Labcorp); PubMed 203 (cited by Department of Pathology and Laboratory Medicine, Sinai Health System).